The following is an entry in ClinVar:

ClinVar aggregate classification (germline): Uncertain significance (1 of 4 stars; one submission).

Submission:

Labcorp Genetics (formerly Invitae), Labcorp
Classification: Uncertain significance. Last evaluated: 2021-07-20. Review status: criteria provided, single submitter. Criteria: Invitae Variant Classification Sherloc (09022015). Collection method: clinical testing. Allele origin: germline.
Comment: This sequence change replaces serine with threonine at codon 1284 of the CCDC141 protein (p.Ser1284Thr). The serine residue is moderately conserved and there is a small physicochemical difference between serine and threonine. This variant is not present in population databases (ExAC no frequency). This variant has not been reported in the literature in individuals affected with CCDC141-related conditions. Algorithms developed to predict the effect of missense changes on protein structure and function output the following: SIFT: "Tolerated"; PolyPhen-2: "Benign"; Align-GVGD: "Class C0". The threonine amino acid residue is found in multiple mammalian species, which suggests that this missense change does not adversely affect protein function. In summary, the available evidence is currently insufficient to determine the role of this variant in disease. Therefore, it has been classified as a Variant of Uncertain Significance.

NM_173648.4(CCDC141):c.3850T>A (p.Ser1284Thr)

Gene: CCDC141 (coiled-coil domain containing 141; minus strand). Cytogenetic location: 2q31.2.
Variant type: single nucleotide variant.
Coding change: c.3850T>A on transcript NM_173648.4 (MANE Select); coding-DNA position 3850, T replaced by A.
Protein change: p.Ser1284Thr; replaces serine 1284 with threonine.
Molecular consequence: missense variant.
Genome position (GRCh38, 1-based): chr2:178,837,369, A>T on the plus strand (T>A on the coding strand, the complement: CCDC141 is on the minus strand). VCF-style: chr2-178837369-A-T. GRCh37 (hg19) VCF-style: chr2-179702096-A-T.
Other names: short protein forms S1284T.
Identifiers: ClinVar variation 1422979 (VCV001422979.8), dbSNP rs2154365792, ClinGen allele CA349551124.